The following is an entry in ClinVar:

NM_000551.4(VHL):c.431dup (p.Gln145fs)

Genes: VHL (von Hippel-Lindau tumor suppressor; plus strand), LOC107303340 (3p25 von Hippel-Lindau tumor suppressor, E3 ubiquitin protein ligase Alu-mediated recombination region; plus strand). Cytogenetic location: 3p25.3.
Variant type: Duplication.
Coding change: c.431dup on transcript NM_000551.4 (MANE Select); coding-DNA position 431, one base duplicated (G; older notation c.431dupG).
Protein change: p.Gln145fs; shifts the reading frame from glutamine 145.
Molecular consequence: frameshift variant. On other transcripts: non-coding transcript variant (1), intron variant (2).
Genome position (GRCh38, 1-based): chr3:10,146,604, G duplicated; the last of 2 consecutive G bases (chr3:10,146,603-10,146,604); duplicating either gives the same sequence. VCF-style (leftmost placement, unchanged base first): chr3-10146602-C-CG. GRCh37 (hg19) VCF-style: chr3-10188286-C-CG.
Other names: c.*18-3183dup (NM_001354723.2); c.341-3183dup (NM_198156.3); short protein forms Q145fs.
Identifiers: ClinVar variation 3759079 (VCV003759079.2).

ClinVar aggregate classification (germline): Pathogenic (1 of 4 stars; one submission).

Conditions:
Chuvash polycythemia. Also called: POLYCYTHEMIA, VHL-DEPENDENT. Identifiers: Orphanet 238557, MedGen C1837915, MONDO:0009892, OMIM 263400.
Von Hippel-Lindau syndrome (VHLS). Also called: von Hippel–Lindau syndrome; VHL syndrome; Von Hippel-Lindau. Identifiers: Orphanet 892, MedGen C0019562, MONDO:0008667, OMIM 193300. Disease mechanism: loss of function.

Submission:

Labcorp Genetics (formerly Invitae), Labcorp
Classification: Pathogenic for Von Hippel-Lindau syndrome; Chuvash polycythemia. Last evaluated: 2024-12-12. Review status: criteria provided, single submitter. Criteria: Invitae Variant Classification Sherloc (09022015). Collection method: clinical testing. Allele origin: germline.
Comment: This sequence change creates a premature translational stop signal (p.Gln145Thrfs*29) in the VHL gene. While this is not anticipated to result in nonsense mediated decay, it is expected to disrupt the last 69 amino acid(s) of the VHL protein. This variant is not present in population databases (gnomAD no frequency). This premature translational stop signal has been observed in individual(s) with VHL-related conditions (PMID: 21972040). This variant is also known as 645G insertion. This variant disrupts a region of the VHL protein in which other variant(s) (p.Leu198Gln ) have been determined to be pathogenic (PMID: 12000816, 20660572). This suggests that this is a clinically significant region of the protein, and that variants that disrupt it are likely to be disease-causing. For these reasons, this variant has been classified as Pathogenic.

Literature cited by the submitters: PubMed 21972040; PubMed 12000816; PubMed 20660572.